The following is an entry in ClinVar:

ClinVar aggregate classification (germline): Uncertain significance. Review status: criteria provided, multiple submitters, no conflicts (2 of 4 stars). 2 submissions from 2 submitters: Uncertain significance (2). Last evaluated 2024-06-18.

Conditions:
Inborn genetic diseases. Identifiers: MedGen C0950123, MeSH D030342.
Leucine-induced hypoglycemia (LIH). Also called: LEUCINE-SENSITIVE HYPOGLYCEMIA OF INFANCY. Identifiers: MedGen C0271714, MONDO:0009415, OMIM 240800.
Hyperinsulinemic hypoglycemia, familial, 1 (HHF1). Also called: Persistent hyperinsulinemic hypoglycemia of infancy; HYPERINSULINISM, FAMILIAL, WITH PANCREATIC NESIDIOBLASTOSIS; HYPOGLYCEMIA, HYPERINSULINEMIC, OF INFANCY; NESIDIOBLASTOSIS OF PANCREAS; Persistent Hyperinsulinemia Hypoglycemia of Infancy. Identifiers: Orphanet 276575, Orphanet 276598, MedGen C2931832, MONDO:0009734, OMIM 256450.
Diabetes mellitus, transient neonatal, 2 (TNDM2). Identifiers: Orphanet 99886, MedGen C1835887, MONDO:0012480, OMIM 610374. Disease mechanism: loss of function.
Diabetes mellitus, permanent neonatal 3. Also called: ABCC8-Related Permanent Neonatal Diabetes Mellitus. Identifiers: MedGen C5394303, MONDO:0030088, OMIM 618857.
Type 2 diabetes mellitus. Also called: Type II diabetes mellitus. Identifiers: MedGen C0011860, MeSH D003924, MONDO:0005148, OMIM 125853, HP:0005978.

Allele frequency attached by ClinVar (database versions not stated): ExAC 0.00001; gnomAD 0.00001; TOPMed 0.00003.
gnomAD v4.1: 1 of 1,614,038 alleles (0.000062%); highest among the groups gnomAD compares: African/African-American, 0.0013%; no homozygotes.

Submissions (2):

Fulgent Genetics
Classification: Uncertain significance for Type 2 diabetes mellitus; Leucine-induced hypoglycemia; Hyperinsulinemic hypoglycemia, familial, 1; Diabetes mellitus, transient neonatal, 2; Diabetes mellitus, permanent neonatal 3. Last evaluated: 2024-06-18. Review status: criteria provided, single submitter. Criteria: ACMG Guidelines, 2015. Collection method: clinical testing. Allele origin: germline.

Ambry Genetics
Classification: Uncertain significance for Inborn genetic diseases. Last evaluated: 2020-05-26. Review status: criteria provided, single submitter. Criteria: Ambry Variant Classification Scheme 2023. Collection method: clinical testing. Allele origin: germline.
Comment: The c.2030G>A (p.C677Y) alteration is located in exon 14 (coding exon 14) of the ABCC8 gene. This alteration results from a G to A substitution at nucleotide position 2030, causing the cysteine (C) at amino acid position 677 to be replaced by a tyrosine (Y). The alteration is rare in population databases:_x000D_ _x000D_ Based on data from the Genome Aggregation Database (gnomAD) database, the ABCC8 c.2030G>A alteration was observed in <0.001% (1/250,914) of total alleles studied. This amino acid position is not well conserved in available vertebrate species. The alteration is predicted tolerated by in silico modeling:_x000D_ _x000D_ The p.C677Y alteration is predicted to be tolerated by in silico analysis. Based on insufficient or conflicting evidence, the clinical significance of this alteration remains unclear.

NM_000352.6(ABCC8):c.2030G>A (p.Cys677Tyr)

Gene: ABCC8 (ATP binding cassette subfamily C member 8; minus strand). Cytogenetic location: 11p15.1.
Variant type: single nucleotide variant.
Coding change: c.2030G>A on transcript NM_000352.6 (MANE Select); coding-DNA position 2030, G replaced by A.
Protein change: p.Cys677Tyr; replaces cysteine 677 with tyrosine.
Molecular consequence: missense variant. On other transcripts: non-coding transcript variant (1).
Genome position (GRCh38, 1-based): chr11:17,428,299, C>T on the plus strand (G>A on the coding strand, the complement: ABCC8 is on the minus strand). VCF-style: chr11-17428299-C-T. GRCh37 (hg19) VCF-style: chr11-17449846-C-T.
Other names: c.2030G>A, p.Cys677Tyr (NM_001287174.3); c.2096G>A, p.Cys699Tyr (NM_001351295.2); c.2027G>A, p.Cys676Tyr (NM_001351296.2, NM_001351297.2); short protein forms C676Y, C699Y, C677Y.
Identifiers: ClinVar variation 2227029 (VCV002227029.3), dbSNP rs770262664, ClinGen allele CA5903344.
Genomic context (GRCh38, chr11:17,428,299, plus strand): 5'-CCCTCTGGGAGTTGGTGCTGGGTGGCCAGGCATGGGGCAGCAGGACTCACCTGGACACAG[C>T]AGTTGTCAGCATCGCCATCTGCACTGGGGACCAGGCTCTGCAGTGGGCCGGTGAGGCCCC-3'
Protein context (NP_000343.2, residues 667-687): VPSADGDADN[Cys677Tyr]CVQIMGGYFT